The following is an entry in ClinVar:

NM_025132.4(WDR19):c.1234G>A (p.Val412Ile)

Gene: WDR19 (WD repeat domain 19; plus strand). Cytogenetic location: 4p14.
Variant type: single nucleotide variant.
Coding change: c.1234G>A on transcript NM_025132.4 (MANE Select); coding-DNA position 1234, G replaced by A.
Protein change: p.Val412Ile; replaces valine 412 with isoleucine.
Molecular consequence: missense variant.
Genome position (GRCh38, 1-based): chr4:39,216,195, G>A. VCF-style: chr4-39216195-G-A. GRCh37 (hg19) VCF-style: chr4-39217815-G-A.
Other names: c.754G>A, p.Val252Ile (NM_001317924.2); short protein forms V252I, V412I.
Identifiers: ClinVar variation 1000954 (VCV001000954.7), dbSNP rs1729054259, ClinGen allele CA356630521.

ClinVar aggregate classification (germline): Uncertain significance. Review status: criteria provided, multiple submitters, no conflicts (2 of 4 stars). 2 submissions from 2 submitters: Uncertain significance (2). Last evaluated 2022-08-10.

Conditions:
Spermatogenic failure 72 (SPGF72). Identifiers: MedGen C5676980, MONDO:0030809, OMIM 619867.
Senior-Loken syndrome 8 (SLSN8). Identifiers: Orphanet 3156, MedGen C4225376, MONDO:0014579, OMIM 616307.
Asphyxiating thoracic dystrophy 5 (SRTD5). Also called: SHORT-RIB THORACIC DYSPLASIA 5 WITH OR WITHOUT POLYDACTYLY; SHORT-RIB THORACIC DYSPLASIA 5 WITHOUT POLYDACTYLY. Identifiers: Orphanet 474, MedGen C3280598, MONDO:0013717, OMIM 614376.
Nephronophthisis 13 (NPHP13). Identifiers: Orphanet 655, MedGen C3280612, MONDO:0013718, OMIM 614377.
Cranioectodermal dysplasia 4 (CED4). Identifiers: Orphanet 1515, MedGen C3280616, MONDO:0013719, OMIM 614378.

gnomAD v4.1: 1 of 1,568,792 alleles (0.000064%); no homozygotes.

Submissions (2):

Labcorp Genetics (formerly Invitae), Labcorp
Classification: Uncertain significance for Senior-Loken syndrome 8; Asphyxiating thoracic dystrophy 5. Last evaluated: 2022-08-10. Review status: criteria provided, single submitter. Criteria: Invitae Variant Classification Sherloc (09022015). Collection method: clinical testing. Allele origin: germline.
Comment: This sequence change replaces valine, which is neutral and non-polar, with isoleucine, which is neutral and non-polar, at codon 412 of the WDR19 protein (p.Val412Ile). This variant is not present in population databases (gnomAD no frequency). This variant has not been reported in the literature in individuals affected with WDR19-related conditions. ClinVar contains an entry for this variant (Variation ID: 1000954). Algorithms developed to predict the effect of missense changes on protein structure and function (SIFT, PolyPhen-2, Align-GVGD) all suggest that this variant is likely to be tolerated. In summary, the available evidence is currently insufficient to determine the role of this variant in disease. Therefore, it has been classified as a Variant of Uncertain Significance.

Fulgent Genetics
Classification: Uncertain significance for Asphyxiating thoracic dystrophy 5; Nephronophthisis 13; Cranioectodermal dysplasia 4; Senior-Loken syndrome 8; Spermatogenic failure 72. Last evaluated: 2022-04-29. Review status: criteria provided, single submitter. Criteria: ACMG Guidelines, 2015. Collection method: clinical testing. Allele origin: unknown.